The following is an entry in ClinVar:

ClinVar aggregate classification (germline): Pathogenic. Review status: criteria provided, multiple submitters, no conflicts (2 of 4 stars). 3 submissions from 3 submitters: Pathogenic (2). 1 of the submissions does not count toward it. Last evaluated 2024-11-20.

Conditions:
Retinitis pigmentosa (RP). Identifiers: Orphanet 791, MedGen C0035334, MeSH D012174, MONDO:0019200, OMIM 268000. Inheritance: Autosomal dominant, autosomal recessive and X linked inheritance.
Retinal dystrophy. Also called: Inherited retinal dystrophy. Identifiers: Orphanet 71862, MedGen C0854723, MeSH D058499, MONDO:0019118, HP:0000556.
Severe early-childhood-onset retinal dystrophy (STGD1). Also called: Stargardt macular dystrophy; Juvenile onset macular degeneration; Stargardt disease 1; MACULAR DYSTROPHY WITH FLECKS, TYPE 1; STGD. Identifiers: Orphanet 364055, Orphanet 827, MedGen C1855465, MeSH D000080362, MONDO:0009549, OMIM 248200.

Submissions (3):

Women's Health and Genetics/Laboratory Corporation of America, LabCorp
Classification: Pathogenic for Retinitis pigmentosa. Last evaluated: 2024-11-20. Review status: criteria provided, single submitter. Criteria: LabCorp Variant Classification Summary - May 2015. Collection method: clinical testing. Allele origin: germline.
Comment: Variant summary: ABCA4 c.1017G>A (p.Trp339X) results in a premature termination codon, predicted to cause a truncation of the encoded protein or absence of the protein due to nonsense mediated decay, which are commonly known mechanisms for disease. The variant was absent in 251158 control chromosomes. c.1017G>A has been reported in the literature in at-least one individual affected with Stargardt disease (example, Hu_2019). These data indicate that the variant may be associated with disease. To our knowledge, no experimental evidence demonstrating an impact on protein function has been reported. The following publication has been ascertained in the context of this evaluation (PMID: 31543898). ClinVar contains an entry for this variant (Variation ID: 3249039). Based on the evidence outlined above, the variant was classified as pathogenic.

Institute of Human Genetics, Univ. Regensburg, Univ. Regensburg
Classification: Pathogenic for Retinal dystrophy. Last evaluated: 2022-01-01. Review status: criteria provided, single submitter. Criteria: ACMG Guidelines, 2015. Collection method: clinical testing. Allele origin: germline. Affected: yes.

Department of Genetics, Suzhou Beikang Medical Laboratory
Classification: Likely pathogenic for Severe early-childhood-onset retinal dystrophy. Last evaluated: 2024-10-31. Review status: no assertion criteria provided. Collection method: clinical testing. Allele origin: germline. Affected: no. Not counted in ClinVar's aggregate classification.
Comment: This sequence change creates a premature translational stop signal (p.Trp339*) in the ABCA4 gene. It is expected to result in an absent or disrupted protein product. Loss-of-function variants in ABCA4 are known to be pathogenic (PMID: 9054934, 9092582, 10412977, 10888868, 20238056, 22735453, 22886305, 24707049, 10958761, 24938718, 25312043, 26780318). This variant is not present in population databases (gnomAD no frequency). This variant has not been reported in the literature in individuals affected with ABCA4-related conditions. For these reasons, this variant has been classified as Likely pathogenic.

Literature cited by the submitters: PubMed 31543898 (cited by Women's Health and Genetics/Laboratory Corporation of America, LabCorp); PubMed 26780318 (cited by Institute of Human Genetics, Univ. Regensburg, Univ. Regensburg); PubMed 3105428 (cited by Institute of Human Genetics, Univ. Regensburg, Univ. Regensburg).

NM_000350.3(ABCA4):c.1017G>A (p.Trp339Ter)

Gene: ABCA4 (ATP binding cassette subfamily A member 4; minus strand). Cytogenetic location: 1p22.1.
Variant type: single nucleotide variant.
Coding change: c.1017G>A on transcript NM_000350.3 (MANE Select); coding-DNA position 1017, G replaced by A.
Protein change: p.Trp339Ter; replaces tryptophan 339 with a stop codon.
Molecular consequence: nonsense.
Genome position (GRCh38, 1-based): chr1:94,080,560, C>T on the plus strand (G>A on the coding strand, the complement: ABCA4 is on the minus strand). VCF-style: chr1-94080560-C-T. GRCh37 (hg19) VCF-style: chr1-94546116-C-T.
Other names: c.1017G>A, p.Trp339Ter (NM_001425324.1); short protein forms W339*.
Identifiers: ClinVar variation 3249039 (VCV003249039.3).
Genomic context (GRCh38, chr1:94,080,560, plus strand): 5'-GATAGGATCCTTCCTTGTGGAGTCAATCCCCAGAAAGGCCTTATAGTTATTGTCTTCATA[C>T]CAGTTGAAGGAGAGCACCCGAGAGCCACCTCCCTCGGGGTAGCCACACAGGAGGTCAGAC-3'